The following is an entry in ClinVar:

ClinVar aggregate classification (germline): Benign (1 of 4 stars; one submission).

Allele frequency attached by ClinVar (database versions not stated): gnomAD 0.01677 and 0.01814; 1000 Genomes Project 0.01817; 1000 Genomes Project 30x 0.02030; TOPMed 0.02038.
gnomAD v4.1: 2,530 of 152,146 alleles (1.7%); highest among the groups gnomAD compares: African/African-American, 5.3%; 62 homozygotes.

Submission:

GeneDx
Classification: Benign. Last evaluated: 2018-06-19. Review status: criteria provided, single submitter. Criteria: GeneDx Variant Classification (06012015). Collection method: clinical testing. Allele origin: germline. Affected: yes.
Comment: This variant is considered likely benign or benign based on one or more of the following criteria: it is a conservative change, it occurs at a poorly conserved position in the protein, it is predicted to be benign by multiple in silico algorithms, and/or has population frequency not consistent with disease.

NM_020774.4(MIB1):c.-425G>A

Genes: MIB1 (MIB E3 ubiquitin protein ligase 1; plus strand), LOC130062254 (ATAC-STARR-seq lymphoblastoid silent region 9344; plus strand). Cytogenetic location: 18q11.2.
Variant type: single nucleotide variant.
Coding change: c.-425G>A on transcript NM_020774.4 (MANE Select); 425 bases upstream of the start codon, G replaced by A.
Molecular consequence: 5 prime UTR variant.
Genome position (GRCh38, 1-based): chr18:21,741,159, G>A. VCF-style: chr18-21741159-G-A. GRCh37 (hg19) VCF-style: chr18-19321120-G-A.
Identifiers: ClinVar variation 683638 (VCV000683638.1), dbSNP rs565800030, ClinGen allele CA297001934.